The following is an entry in ClinVar:

NM_000256.3(MYBPC3):c.528_532del (p.Arg177fs)

Gene: MYBPC3 (myosin binding protein C3; minus strand). Cytogenetic location: 11p11.2.
Variant type: Deletion.
Coding change: c.528_532del on transcript NM_000256.3 (MANE Select); coding-DNA positions 528 to 532, 5 bases deleted (CCGCG; older notation c.528_532delCCGCG).
Protein change: p.Arg177fs; shifts the reading frame from arginine 177.
Molecular consequence: frameshift variant.
Genome position (GRCh38, 1-based): chr11:47,349,896-47,349,900, CGCGG deleted on the plus strand (CCGCG on the coding strand, the reverse complement: MYBPC3 is on the minus strand). VCF-style (leftmost placement, unchanged base first): chr11-47349895-ACGCGG-A. GRCh37 (hg19) VCF-style: chr11-47371446-ACGCGG-A.
Other names: c.528_532delCCGCG (NM_000256.3); short protein forms R177fs.
Identifiers: ClinVar variation 1746563 (VCV001746563.2), dbSNP rs2495780899, ClinGen allele CA2580084233.

ClinVar aggregate classification (germline): Pathogenic (1 of 4 stars; one submission).

Conditions:
Cardiovascular phenotype. Identifiers: MedGen CN230736.

Submission:

Ambry Genetics
Classification: Pathogenic for Cardiovascular phenotype. Last evaluated: 2022-09-28. Review status: criteria provided, single submitter. Criteria: Ambry Variant Classification Scheme 2023. Collection method: clinical testing. Allele origin: germline.
Comment: The c.528_532delCCGCG pathogenic mutation, located in coding exon 5 of the MYBPC3 gene, results from a deletion of 5 nucleotides at nucleotide positions 528 to 532, causing a translational frameshift with a predicted alternate stop codon (p.R177Gfs*62). This variant is considered to be rare based on population cohorts in the Genome Aggregation Database (gnomAD). This alteration is expected to result in loss of function by premature protein truncation or nonsense-mediated mRNA decay. As such, this alteration is interpreted as a disease-causing mutation.